The following is an entry in ClinVar:

NM_001375808.2(LPIN2):c.151C>T (p.Arg51Trp)

Gene: LPIN2 (lipin 2; minus strand). Cytogenetic location: 18p11.31.
Variant type: single nucleotide variant.
Coding change: c.151C>T on transcript NM_001375808.2 (MANE Select); coding-DNA position 151, C replaced by T.
Protein change: p.Arg51Trp; replaces arginine 51 with tryptophan.
Molecular consequence: missense variant.
Genome position (GRCh38, 1-based): chr18:2,960,690, G>A on the plus strand (C>T on the coding strand, the complement: LPIN2 is on the minus strand). VCF-style: chr18-2960690-G-A. GRCh37 (hg19) VCF-style: chr18-2960688-G-A.
Other names: c.151C>T, p.Arg51Trp (NM_001375809.1, NM_014646.2); short protein forms R51W.
Identifiers: ClinVar variation 2920852 (VCV002920852.2), dbSNP rs758430904, ClinGen allele CA401711346.
Genomic context (GRCh38, chr18:2,960,690, plus strand): 5'-TCTCCTTGAGGACACTCACCACTTTCTCTTTGGATCTCAGGACTCCCAGCTTTCCAAACC[G>A]AACGTGAAAAGGTGAACACTGATAGCTGCCATCCTGCTGCTGTACCACGATGACATCAAT-3'
Protein context (NP_001362737.1, residues 41-61): GSYQCSPFHV[Arg51Trp]FGKLGVLRSK

ClinVar aggregate classification (germline): Uncertain significance (1 of 4 stars; one submission).

Conditions:
Majeed syndrome (MJDS). Also called: CHRONIC RECURRENT MULTIFOCAL OSTEOMYELITIS 1, WITH CONGENITAL DYSERYTHROPOIETIC ANEMIA, WITH OR WITHOUT NEUTROPHILIC DERMATOSIS; LPIN2-Related Majeed Syndrome. Identifiers: Orphanet 77297, MedGen C1864997, MONDO:0012316, OMIM 609628.

Allele frequency attached by ClinVar (database versions not stated): TOPMed 0.00001; gnomAD 0.00002.

Submission:

ARUP Laboratories, Molecular Genetics and Genomics, ARUP Laboratories
Classification: Uncertain significance for Majeed syndrome. Last evaluated: 2025-05-19. Review status: criteria provided, single submitter. Criteria: ARUP Molecular Germline Variant Investigation Process 2024. Collection method: clinical testing. Allele origin: germline.
Comment: The LPIN2 c.151C>T; p.Arg51Trp variant (rs758430904), to our knowledge, is not reported in the medical literature but is reported in ClinVar (Variation ID: 2920852). This variant is absent from the Genome Aggregation Database (v2.1.1), indicating it is not a common polymorphism. Computational analyses predict that this variant is deleterious (REVEL: 0.866). Due to limited information, the clinical significance of this variant is uncertain at this time.